The following is an entry in ClinVar:

NM_000064.4(C3):c.1118T>C (p.Met373Thr)

Gene: C3 (complement C3; minus strand). Cytogenetic location: 19p13.3.
Variant type: single nucleotide variant.
Coding change: c.1118T>C on transcript NM_000064.4 (MANE Select); coding-DNA position 1118, T replaced by C.
Protein change: p.Met373Thr; replaces methionine 373 with threonine.
Molecular consequence: missense variant.
Genome position (GRCh38, 1-based): chr19:6,712,509, A>G on the plus strand (T>C on the coding strand, the complement: C3 is on the minus strand). VCF-style: chr19-6712509-A-G. GRCh37 (hg19) VCF-style: chr19-6712520-A-G.
Other names: short protein forms M373T.
Identifiers: ClinVar variation 4280284 (VCV004280284.1).
Genomic context (GRCh38, chr19:6,712,509, plus strand): 5'-GGGCTGTGGCCGGTGTCCCCGAAGGGAGGAGTGGGACCCCTTCCCGCCCCGGGTCTCACC[A>G]TGAGGTCAAAGGGCATTCCTGGTTTGAAGTACTTGGGTGTCTTGGTGAAGTGGATCTGGT-3'
Protein context (NP_000055.2, residues 363-383): YFKPGMPFDL[Met373Thr]VFVTNPDGSP

ClinVar aggregate classification (germline): Likely pathogenic (1 of 4 stars; one submission).

Conditions:
Complement component 3 deficiency. Identifiers: Orphanet 280133, MedGen C3151071, MONDO:0013417, OMIM 613779.

Submission:

Genomenon, Inc
Classification: Likely pathogenic for Complement component 3 deficiency. Last evaluated: 2025-09-30. Review status: criteria provided, single submitter. Criteria: Genomenon Sequence Variant Interpretation Standards. Collection method: curation. Allele origin: germline. Affected: yes.
Comment: C3 p.Met373Thr (c.1118T>C) is a missense variant that changes the amino acid at residue 373 from Methionine to Threonine. This variant has been observed in at least one proband affected with C3 deficiency (PMID:25712219). The variant was found to segregate with disease in at least one affected family (PMID:25712219). At least one functional study has demonstrated a substantial alteration in protein function relative to the wild-type (PMID:25712219). It is absent or not present at a significant frequency in gnomAD. In silico models agree that this variant is possibly or probably damaging. In conclusion, we classify C3 p.Met373Thr (c.1118T>C) as a likely pathogenic variant.

Literature cited by the submitters: PubMed 25712219.